The following is an entry in ClinVar:

ClinVar aggregate classification (germline): Likely benign (0 of 4 stars; one submission).

Conditions:
PLXNA3-related disorder. Also called: PLXNA3-related condition.

gnomAD v4.1: 2 of 1,211,444 alleles (0.00017%); highest among the groups gnomAD compares: Admixed American, 0.0043%; no homozygotes.

Submission:

PreventionGenetics, part of Exact Sciences
Classification: Likely benign for PLXNA3-related condition. Last evaluated: 2022-04-22. Review status: no assertion criteria provided. Collection method: clinical testing. Allele origin: germline.
Comment: This variant is classified as likely benign based on ACMG/AMP sequence variant interpretation guidelines (Richards et al. 2015 PMID: 25741868, with internal and published modifications).

NM_017514.5(PLXNA3):c.5016C>T (p.Leu1672=)

Gene: PLXNA3 (plexin A3; plus strand). Cytogenetic location: Xq28.
Variant type: single nucleotide variant.
Coding change: c.5016C>T on transcript NM_017514.5 (MANE Select); coding-DNA position 5016, C replaced by T.
Protein change: p.Leu1672=; no amino-acid change (leucine 1672 retained).
Molecular consequence: synonymous variant.
Genome position (GRCh38, 1-based): chrX:154,470,471, C>T. VCF-style: chrX-154470471-C-T. GRCh37 (hg19) VCF-style: chrX-153698814-C-T.
Identifiers: ClinVar variation 3353876 (VCV003353876.1).